The following is an entry in ClinVar:

ClinVar aggregate classification (germline): Uncertain significance (1 of 4 stars; one submission).

Conditions:
Hajdu-Cheney syndrome (HJCYS). Also called: SERPENTINE FIBULA-POLYCYSTIC KIDNEY SYNDROME; Acroosteolysis dominant type; ACROOSTEOLYSIS WITH OSTEOPOROSIS AND CHANGES IN SKULL AND MANDIBLE. Identifiers: Orphanet 955, MedGen C0917715, MONDO:0007057, OMIM 102500.

Submission:

Labcorp Genetics (formerly Invitae), Labcorp
Classification: Uncertain significance for Hajdu-Cheney syndrome. Last evaluated: 2025-08-11. Review status: criteria provided, single submitter. Criteria: Invitae Variant Classification Sherloc (09022015). Collection method: clinical testing. Allele origin: germline.
Comment: This sequence change replaces aspartic acid, which is acidic and polar, with glutamic acid, which is acidic and polar, at codon 2037 of the NOTCH2 protein (p.Asp2037Glu). This variant is not present in population databases (gnomAD no frequency). This variant has not been reported in the literature in individuals affected with NOTCH2-related conditions. Invitae Evidence Modeling of protein sequence and biophysical properties (such as structural, functional, and spatial information, amino acid conservation, physicochemical variation, residue mobility, and thermodynamic stability) indicates that this missense variant is not expected to disrupt NOTCH2 protein function with a negative predictive value of 80%. In summary, the available evidence is currently insufficient to determine the role of this variant in disease. Therefore, it has been classified as a Variant of Uncertain Significance.

NM_024408.4(NOTCH2):c.6111C>A (p.Asp2037Glu)

Gene: NOTCH2 (notch receptor 2; minus strand). Cytogenetic location: 1p12.
Variant type: single nucleotide variant.
Coding change: c.6111C>A on transcript NM_024408.4 (MANE Select); coding-DNA position 6111, C replaced by A.
Protein change: p.Asp2037Glu; replaces aspartic acid 2037 with glutamic acid.
Molecular consequence: missense variant.
Genome position (GRCh38, 1-based): chr1:119,916,611, G>T on the plus strand (C>A on the coding strand, the complement: NOTCH2 is on the minus strand). VCF-style: chr1-119916611-G-T. GRCh37 (hg19) VCF-style: chr1-120459234-G-T.
Other names: short protein forms D2037E.
Identifiers: ClinVar variation 4810684 (VCV004810684.1).
Genomic context (GRCh38, chr1:119,916,611, plus strand): 5'-GTCATGGTGCATGCGATCCCGAGCCACATCCCGGGGAAGACGATCCATATGGTCTGTGAT[G>T]TCTCGATTGGCAAAATGGTCTAACAGGATCTTGGCTGCTTCATAGCTCCCCTCCCGGGCA-3'
Protein context (NP_077719.2, residues 2027-2047): KILLDHFANR[Asp2037Glu]ITDHMDRLPR